The following is an entry in ClinVar:

NM_000186.4(CFH):c.472G>A (p.Val158Ile)

Gene: CFH (complement factor H; plus strand). Cytogenetic location: 1q31.3.
Variant type: single nucleotide variant.
Coding change: c.472G>A on transcript NM_000186.4 (MANE Select); coding-DNA position 472, G replaced by A.
Protein change: p.Val158Ile; replaces valine 158 with isoleucine.
Molecular consequence: missense variant.
Genome position (GRCh38, 1-based): chr1:196,677,520, G>A. VCF-style: chr1-196677520-G-A. GRCh37 (hg19) VCF-style: chr1-196646650-G-A.
Other names: c.472G>A, p.Val158Ile (NM_001014975.3); short protein forms V158I.
Identifiers: ClinVar variation 1008944 (VCV001008944.10), dbSNP rs141852866, ClinGen allele CA1305069.
Genomic context (GRCh38, chr1:196,677,520, plus strand): 5'-CATGTATTTTCTTCAGTTGTGAAGTGTTTACCAGTGACAGCACCAGAGAATGGAAAAATT[G>A]TCAGTAGTGCAATGGAACCAGATCGGGAATACCATTTTGGACAAGCAGTACGGTTTGTAT-3'
Protein context (NP_000177.2, residues 148-168): PVTAPENGKI[Val158Ile]SSAMEPDREY

ClinVar aggregate classification (germline): Conflicting classifications of pathogenicity. Review status: criteria provided, conflicting classifications (1 of 4 stars). 7 submissions from 4 submitters: Uncertain significance (6); Likely benign (1). Last evaluated 2025-10-02.

Conditions:
Atypical hemolytic-uremic syndrome. Identifiers: Orphanet 2134, MedGen C2931788, MONDO:0016244.
Basal laminar drusen. Also called: DRUSEN OF BRUCH MEMBRANE; DRUSEN, CUTICULAR; DRUSEN, EARLY ADULT-ONSET, GROUPED. Identifiers: Orphanet 75376, MedGen C0730295, MONDO:0007472, OMIM 126700.
Age related macular degeneration 4. Identifiers: MedGen C1853147, MONDO:0012540, OMIM 610698.
Hemolytic uremic syndrome, atypical, susceptibility to, 1. Also called: AHUS, SUSCEPTIBILITY TO, 1. Identifiers: Orphanet 2134, Orphanet 90038, MedGen C2749604, MONDO:0009335, OMIM 235400. Disease mechanism: Other.
Factor H deficiency (CFHD). Also called: CFH DEFICIENCY; COMPLEMENT FACTOR H DEFICIENCY. Identifiers: Orphanet 200421, MedGen C0398777, MONDO:0012350, OMIM 609814.

Allele frequency attached by ClinVar (database versions not stated): gnomAD exomes 0.00004 and 0.00014; ExAC 0.00013; 1000 Genomes Project 0.00040; TOPMed 0.00045; 1000 Genomes Project 30x 0.00047; ESP Exome Variant Server 0.00054.
gnomAD v4.1: 120 of 1,613,178 alleles (0.0074%); highest among the groups gnomAD compares: African/African-American, 0.14%; no homozygotes.

Submissions (7):

Genomenon, Inc
Classification: Likely benign for Atypical hemolytic-uremic syndrome. Last evaluated: 2025-10-02. Review status: criteria provided, single submitter. Criteria: Genomenon Sequence Variant Interpretation Standards - Updated. Collection method: curation. Allele origin: germline. Affected: yes.
Comment: CFH p.Val158Ile (c.472G>A) is a missense variant that changes the amino acid at residue 158 from Valine to Isoleucine. This variant has been observed in at least one proband affected with atypical hemolytic-uremic syndrome (PMID:25862562;29563339). Functional studies have been reported (PMID:34189567). In silico models agree that this variant is not damaging. This variant’s allele frequency in gnomAD is greater than expected for this disorder. In conclusion, we classify CFH p.Val158Ile (c.472G>A) as a likely benign variant.

Labcorp Genetics (formerly Invitae), Labcorp
Classification: Uncertain significance. Last evaluated: 2025-07-03. Review status: criteria provided, single submitter. Criteria: Invitae Variant Classification Sherloc (09022015). Collection method: clinical testing. Allele origin: germline.
Comment: This sequence change replaces valine, which is neutral and non-polar, with isoleucine, which is neutral and non-polar, at codon 158 of the CFH protein (p.Val158Ile). This variant is present in population databases (rs141852866, gnomAD 0.2%). This variant has not been reported in the literature in individuals affected with CFH-related conditions. ClinVar contains an entry for this variant (Variation ID: 1008944). An algorithm developed to predict the effect of missense changes on protein structure and function outputs the following: PolyPhen-2: "Benign". The isoleucine amino acid residue is found in multiple mammalian species, which suggests that this missense change does not adversely affect protein function. In summary, the available evidence is currently insufficient to determine the role of this variant in disease. Therefore, it has been classified as a Variant of Uncertain Significance.

Genome-Nilou Lab
Classification: Uncertain significance for Hemolytic uremic syndrome, atypical, susceptibility to, 1. Last evaluated: 2023-04-11. Review status: criteria provided, single submitter. Criteria: ACMG Guidelines, 2015. Collection method: clinical testing. Allele origin: germline. Affected: no.

Genome-Nilou Lab
Classification: Uncertain significance for Age related macular degeneration 4. Last evaluated: 2023-04-11. Review status: criteria provided, single submitter. Criteria: ACMG Guidelines, 2015. Collection method: clinical testing. Allele origin: germline. Affected: no.

Genome-Nilou Lab
Classification: Uncertain significance for Basal laminar drusen. Last evaluated: 2023-04-11. Review status: criteria provided, single submitter. Criteria: ACMG Guidelines, 2015. Collection method: clinical testing. Allele origin: germline. Affected: no.

Genome-Nilou Lab
Classification: Uncertain significance for Factor H deficiency. Last evaluated: 2023-04-11. Review status: criteria provided, single submitter. Criteria: ACMG Guidelines, 2015. Collection method: clinical testing. Allele origin: germline. Affected: no.

Fulgent Genetics
Classification: Uncertain significance for Basal laminar drusen; Hemolytic uremic syndrome, atypical, susceptibility to, 1; Factor H deficiency; Age related macular degeneration 4. Last evaluated: 2022-03-04. Review status: criteria provided, single submitter. Criteria: ACMG Guidelines, 2015. Collection method: clinical testing. Allele origin: unknown.

Literature cited by the submitters: PubMed 25862562 (cited by Genomenon, Inc); PubMed 29563339 (cited by Genomenon, Inc); PubMed 34189567 (cited by Genomenon, Inc).